The following is an entry in ClinVar:

NM_000489.6(ATRX):c.6730C>T (p.His2244Tyr)

Gene: ATRX (ATRX chromatin remodeler; minus strand). Cytogenetic location: Xq21.1.
Variant type: single nucleotide variant.
Coding change: c.6730C>T on transcript NM_000489.6 (MANE Select); coding-DNA position 6730, C replaced by T.
Protein change: p.His2244Tyr; replaces histidine 2244 with tyrosine.
Molecular consequence: missense variant.
Genome position (GRCh38, 1-based): chrX:77,523,371, G>A on the plus strand (C>T on the coding strand, the complement: ATRX is on the minus strand). VCF-style: chrX-77523371-G-A. GRCh37 (hg19) VCF-style: chrX-76778849-G-A.
Other names: c.6616C>T, p.His2206Tyr (NM_138270.5); short protein forms H2244Y, H2206Y.
Identifiers: ClinVar variation 579457 (VCV000579457.11), dbSNP rs1569515985, ClinGen allele CA413710228.

ClinVar aggregate classification (germline): Uncertain significance (1 of 4 stars; one submission).

Conditions:
Alpha thalassemia-X-linked intellectual disability syndrome (ATRX). Also called: ALPHA-THALASSEMIA/MENTAL RETARDATION SYNDROME, X-LINKED; ATR, NONDELETION TYPE; ALPHA-THALASSEMIA/IMPAIRED INTELLECTUAL DEVELOPMENT SYNDROME, X-LINKED; X-linked alpha-thalassemia-mental retardation syndrome; ATR-X syndrome; Alpha thalassemia mental retardation syndrome, nondeletion type, X-linked. Identifiers: Orphanet 847, MedGen C1845055, MONDO:0010519, OMIM 301040.

Submission:

Labcorp Genetics (formerly Invitae), Labcorp
Classification: Uncertain significance for Alpha thalassemia-X-linked intellectual disability syndrome. Last evaluated: 2022-08-16. Review status: criteria provided, single submitter. Criteria: Invitae Variant Classification Sherloc (09022015). Collection method: clinical testing. Allele origin: germline.
Comment: In summary, the available evidence is currently insufficient to determine the role of this variant in disease. Therefore, it has been classified as a Variant of Uncertain Significance. Advanced modeling of protein sequence and biophysical properties (such as structural, functional, and spatial information, amino acid conservation, physicochemical variation, residue mobility, and thermodynamic stability) performed at Invitae indicates that this missense variant is not expected to disrupt ATRX protein function. ClinVar contains an entry for this variant (Variation ID: 579457). This variant has not been reported in the literature in individuals affected with ATRX-related conditions. This variant is not present in population databases (gnomAD no frequency). This sequence change replaces histidine, which is basic and polar, with tyrosine, which is neutral and polar, at codon 2244 of the ATRX protein (p.His2244Tyr).